The following is an entry in ClinVar:

NM_021927.3(GUF1):c.1082T>C (p.Met361Thr)

Gene: GUF1 (GTP binding elongation factor GUF1; plus strand). Cytogenetic location: 4p12.
Variant type: single nucleotide variant.
Coding change: c.1082T>C on transcript NM_021927.3 (MANE Select); coding-DNA position 1082, T replaced by C.
Protein change: p.Met361Thr; replaces methionine 361 with threonine.
Molecular consequence: missense variant.
Genome position (GRCh38, 1-based): chr4:44,689,289, T>C. VCF-style: chr4-44689289-T-C. GRCh37 (hg19) VCF-style: chr4-44691306-T-C.
Other names: c.110T>C, p.Met37Thr (NM_001345867.2, NM_001345869.2); c.1082T>C, p.Met361Thr (NM_001345868.2); short protein forms M361T, M37T.
Identifiers: ClinVar variation 2760892 (VCV002760892.3), dbSNP rs1715267133, ClinGen allele CA356762991.

ClinVar aggregate classification (germline): Uncertain significance (1 of 4 stars; one submission).

Submission:

Labcorp Genetics (formerly Invitae), Labcorp
Classification: Uncertain significance. Last evaluated: 2023-09-15. Review status: criteria provided, single submitter. Criteria: Invitae Variant Classification Sherloc (09022015). Collection method: clinical testing. Allele origin: germline.
Comment: In summary, the available evidence is currently insufficient to determine the role of this variant in disease. Therefore, it has been classified as a Variant of Uncertain Significance. Advanced modeling of protein sequence and biophysical properties (such as structural, functional, and spatial information, amino acid conservation, physicochemical variation, residue mobility, and thermodynamic stability) performed at Invitae indicates that this missense variant is not expected to disrupt GUF1 protein function. This variant has not been reported in the literature in individuals affected with GUF1-related conditions. This variant is not present in population databases (gnomAD no frequency). This sequence change replaces methionine, which is neutral and non-polar, with threonine, which is neutral and polar, at codon 361 of the GUF1 protein (p.Met361Thr).